The following is an entry in ClinVar:

NM_003738.5(PTCH2):c.2208G>A (p.Leu736=)

Gene: PTCH2 (patched 2; minus strand). Cytogenetic location: 1p34.1.
Variant type: single nucleotide variant.
Coding change: c.2208G>A on transcript NM_003738.5 (MANE Select); coding-DNA position 2208, G replaced by A.
Protein change: p.Leu736=; no amino-acid change (leucine 736 retained).
Molecular consequence: synonymous variant.
Genome position (GRCh38, 1-based): chr1:44,827,565, C>T on the plus strand (G>A on the coding strand, the complement: PTCH2 is on the minus strand). VCF-style: chr1-44827565-C-T. GRCh37 (hg19) VCF-style: chr1-45293237-C-T.
Other names: c.2208G>A (NM_003738.4); c.2208G>A, p.Leu736= (NM_001166292.2).
Identifiers: ClinVar variation 1898224 (VCV001898224.7), dbSNP rs372723227, ClinGen allele CA823080.

ClinVar aggregate classification (germline): Likely benign. Review status: criteria provided, single submitter (1 of 4 stars). 2 submissions from 2 submitters: Likely benign (1). 1 of the submissions does not count toward it. Last evaluated 2025-11-09.

Conditions:
Gorlin syndrome. Also called: Nevoid Basal Cell Carcinoma Syndrome; Basal cell nevus syndrome. Identifiers: Orphanet 377, MedGen C0004779, MONDO:0007187.
PTCH2-related disorder. Also called: PTCH2-related disease; PTCH2-related condition.

Allele frequency attached by ClinVar (database versions not stated): gnomAD 0.00007; ESP Exome Variant Server 0.00008; ExAC 0.00001; gnomAD exomes 0.00001; TOPMed 0.00008.

Submissions (2):

Labcorp Genetics (formerly Invitae), Labcorp
Classification: Likely benign for Gorlin syndrome. Last evaluated: 2025-11-09. Review status: criteria provided, single submitter. Criteria: Invitae Variant Classification Sherloc (09022015). Collection method: clinical testing. Allele origin: germline.

PreventionGenetics, part of Exact Sciences
Classification: Likely benign for PTCH2-related condition. Last evaluated: 2021-12-13. Review status: no assertion criteria provided. Collection method: clinical testing. Allele origin: germline. Not counted in ClinVar's aggregate classification.
Comment: This variant is classified as likely benign based on ACMG/AMP sequence variant interpretation guidelines (Richards et al. 2015 PMID: 25741868, with internal and published modifications).